The following is an entry in ClinVar:

NM_014141.6(CNTNAP2):c.2300T>C (p.Val767Ala)

Gene: CNTNAP2 (contactin associated protein 2; plus strand). Cytogenetic location: 7q35.
Variant type: single nucleotide variant.
Coding change: c.2300T>C on transcript NM_014141.6 (MANE Select); coding-DNA position 2300, T replaced by C.
Protein change: p.Val767Ala; replaces valine 767 with alanine.
Molecular consequence: missense variant.
Genome position (GRCh38, 1-based): chr7:147,977,906, T>C. VCF-style: chr7-147977906-T-C. GRCh37 (hg19) VCF-style: chr7-147674998-T-C.
Other names: short protein forms V767A.
Identifiers: ClinVar variation 1373149 (VCV001373149.6), dbSNP rs2116865159, ClinGen allele CA369927644.

ClinVar aggregate classification (germline): Uncertain significance (1 of 4 stars; one submission).

Conditions:
Cortical dysplasia-focal epilepsy syndrome (PTHSL1). Also called: Pitt-Hopkins-like syndrome 1. Identifiers: Orphanet 163681, Orphanet 221150, MedGen C2750246, MONDO:0012400, OMIM 610042.

Allele frequency attached by ClinVar (database versions not stated): gnomAD exomes below 0.00001.
gnomAD v4.1: 1 of 1,614,012 alleles (0.000062%); highest among the groups gnomAD compares: Non-Finnish European, 0.000085%; no homozygotes.

Submission:

Labcorp Genetics (formerly Invitae), Labcorp
Classification: Uncertain significance for Cortical dysplasia-focal epilepsy syndrome. Last evaluated: 2025-01-15. Review status: criteria provided, single submitter. Criteria: Invitae Variant Classification Sherloc (09022015). Collection method: clinical testing. Allele origin: germline.
Comment: This sequence change replaces valine, which is neutral and non-polar, with alanine, which is neutral and non-polar, at codon 767 of the CNTNAP2 protein (p.Val767Ala). This variant is not present in population databases (gnomAD no frequency). This variant has not been reported in the literature in individuals affected with CNTNAP2-related conditions. ClinVar contains an entry for this variant (Variation ID: 1373149). An algorithm developed to predict the effect of missense changes on protein structure and function (PolyPhen-2) suggests that this variant is likely to be disruptive. In summary, the available evidence is currently insufficient to determine the role of this variant in disease. Therefore, it has been classified as a Variant of Uncertain Significance.